The following is an entry in ClinVar:

ClinVar aggregate classification (germline): Uncertain significance. Review status: criteria provided, multiple submitters, no conflicts (2 of 4 stars). 6 submissions from 6 submitters: Uncertain significance (5). 1 of the submissions does not count toward it. Last evaluated 2025-05-15.

Conditions:
Polymerase proofreading-related adenomatous polyposis. Also called: Polymerase proofreading associated polyposis; Polymerase proofreading–associated polyposis (PPAP). Identifiers: Orphanet 447877, MedGen C5202613, MONDO:0018653.
Hereditary cancer-predisposing syndrome. Also called: Neoplastic Syndromes, Hereditary; Hereditary neoplastic syndrome; Hereditary Cancer Syndrome; Tumor predisposition. Identifiers: Orphanet 140162, MedGen C0027672, MeSH D009386, MONDO:0015356.
POLD1-related polyposis and colorectal cancer syndrome (CRCS10). Also called: Colorectal cancer, susceptibility to, 10; Colorectal cancer 10; COLORECTAL CANCER, SUSCEPTIBILITY TO, ON CHROMOSOME 19q. Identifiers: Orphanet 220460, MedGen C2675481, MONDO:0012953, OMIM 612591.
POLD1-related disorder. Also called: POLD1-related disorders; POLD1-related condition.

Allele frequency attached by ClinVar (database versions not stated): TOPMed below 0.00001; gnomAD exomes 0.00001; ExAC 0.00002.
gnomAD v4.1: 15 of 1,613,810 alleles (0.00093%); highest among the groups gnomAD compares: South Asian, 0.014%; 1 homozygote.

Submissions (6):

Labcorp Genetics (formerly Invitae), Labcorp
Classification: Uncertain significance for POLD1-related polyposis and colorectal cancer syndrome. Last evaluated: 2025-05-15. Review status: criteria provided, single submitter. Criteria: Invitae Variant Classification Sherloc (09022015). Collection method: clinical testing. Allele origin: germline.
Comment: This sequence change replaces phenylalanine, which is neutral and non-polar, with tyrosine, which is neutral and polar, at codon 646 of the POLD1 protein (p.Phe646Tyr). This variant is present in population databases (rs767518281, gnomAD 0.01%). This variant has not been reported in the literature in individuals affected with POLD1-related conditions. ClinVar contains an entry for this variant (Variation ID: 408020). Invitae Evidence Modeling of protein sequence and biophysical properties (such as structural, functional, and spatial information, amino acid conservation, physicochemical variation, residue mobility, and thermodynamic stability) indicates that this missense variant is not expected to disrupt POLD1 protein function with a negative predictive value of 80%. In summary, the available evidence is currently insufficient to determine the role of this variant in disease. Therefore, it has been classified as a Variant of Uncertain Significance.

Department of Pathology and Laboratory Medicine, Sinai Health System
Classification: Uncertain significance for Polymerase proofreading-related adenomatous polyposis. Last evaluated: 2024-06-03. Review status: criteria provided, single submitter. Criteria: ACMG Guidelines, 2015. Collection method: clinical testing. Allele origin: germline. Affected: yes.

Ambry Genetics
Classification: Uncertain significance for Hereditary cancer-predisposing syndrome. Last evaluated: 2024-03-13. Review status: criteria provided, single submitter. Criteria: Ambry Variant Classification Scheme 2023. Collection method: clinical testing. Allele origin: germline.
Comment: The p.F646Y variant (also known as c.1937T>A), located in coding exon 15 of the POLD1 gene, results from a T to A substitution at nucleotide position 1937. The phenylalanine at codon 646 is replaced by tyrosine, an amino acid with highly similar properties. This amino acid position is conserved. In addition, the in silico prediction for this alteration is inconclusive. Since supporting evidence is limited at this time, the clinical significance of this alteration remains unclear.

Mayo Clinic Laboratories, Mayo Clinic
Classification: Uncertain significance. Last evaluated: 2023-12-11. Review status: criteria provided, single submitter. Criteria: ACMG Guidelines, 2015. Collection method: clinical testing. Allele origin: germline. Observed: 1 variant allele.
Comment: PM2_moderate

GeneDx
Classification: Uncertain significance. Last evaluated: 2016-04-20. Review status: criteria provided, single submitter. Criteria: GeneDx Variant Classification (06012015). Collection method: clinical testing. Allele origin: germline. Affected: yes.
Comment: This variant is denoted POLD1 c.1937T>A at the cDNA level, p.Phe646Tyr (F646Y) at the protein level, and results in the change of a Phenylalanine to a Tyrosine (TTT>TAT). This variant has not, to our knowledge, been published in the literature as pathogenic or benign. POLD1 Phe646Tyr was not observed in approximately 6,500 individuals of European and African American ancestry in the NHLBI Exome Sequencing Project, suggesting it is not a common benign variant in these populations. Since Phenylalanine and Tyrosine differ in polarity, charge, size or other properties, this is considered a non-conservative amino acid substitution. POLD1 Phe646Tyr occurs at a position that is conserved across species and is located within the polymerase domain (Preston 2010). In silico analyses predict that this variant is probably damaging to protein structure or function. Based on currently available evidence, it is unclear whether POLD1 Phe646Tyr is a pathogenic or benign variant. We consider it to be a variant of uncertain significance.

PreventionGenetics, part of Exact Sciences
Classification: Uncertain significance for POLD1-related condition. Last evaluated: 2024-06-27. Review status: no assertion criteria provided. Collection method: clinical testing. Allele origin: germline. Not counted in ClinVar's aggregate classification.
Comment: The POLD1 c.1937T>A variant is predicted to result in the amino acid substitution p.Phe646Tyr. To our knowledge, this variant has not been reported in the literature. This variant is reported in 0.0098% of alleles in individuals of South Asian descent in gnomAD. At this time, the clinical significance of this variant is uncertain due to the absence of conclusive functional and genetic evidence.

NM_002691.4(POLD1):c.1937T>A (p.Phe646Tyr)

Gene: POLD1 (DNA polymerase delta 1, catalytic subunit; plus strand). Cytogenetic location: 19q13.33.
Variant type: single nucleotide variant.
Coding change: c.1937T>A on transcript NM_002691.4 (MANE Select); coding-DNA position 1937, T replaced by A.
Protein change: p.Phe646Tyr; replaces phenylalanine 646 with tyrosine.
Molecular consequence: missense variant. On other transcripts: non-coding transcript variant (1).
Genome position (GRCh38, 1-based): chr19:50,409,166, T>A. VCF-style: chr19-50409166-T-A. GRCh37 (hg19) VCF-style: chr19-50912423-T-A.
Other names: p.Phe646Tyr; c.1937T>A, p.Phe646Tyr (NM_001256849.1); c.2015T>A, p.Phe672Tyr (NM_001308632.1); short protein forms F646Y, F672Y.
Identifiers: ClinVar variation 408020 (VCV000408020.17), dbSNP rs767518281, ClinGen allele CA9596334.